The following is an entry in ClinVar:

ClinVar aggregate classification (germline): Conflicting classifications of pathogenicity. Review status: criteria provided, conflicting classifications (1 of 4 stars). 8 submissions from 8 submitters: Likely pathogenic (3); Uncertain significance (2); Likely benign (1). 2 of the submissions do not count toward it. Last evaluated 2026-08-10.

Conditions:
TRIM63-related disorder. Also called: TRIM63-related condition.
Cardiomyopathy, familial hypertrophic, 31. Identifiers: MedGen C6012754, MONDO:0979573, OMIM 621270.
Cardiovascular phenotype. Identifiers: MedGen CN230736.
Hypertrophic cardiomyopathy. Also called: HYPERTROPHIC MYOCARDIOPATHY. Identifiers: Orphanet 217569, MedGen C0007194, MeSH D002312, MONDO:0005045, HP:0001639.

Allele frequency attached by ClinVar (database versions not stated): gnomAD 0.00006 and 0.00007; ESP Exome Variant Server 0.00008; gnomAD exomes 0.00008 and 0.00010; ExAC 0.00014; TOPMed 0.00014; 1000 Genomes Project 30x 0.00016; 1000 Genomes Project 0.00020.

Submissions (8):

PreventionGenetics, part of Exact Sciences
Classification: Likely pathogenic for TRIM63-related condition. Last evaluated: 2026-08-10. Review status: criteria provided, single submitter. Criteria: ACMG Guidelines, 2015. Collection method: clinical testing. Allele origin: germline.
Comment: The TRIM63 c.224G>A variant is predicted to result in the amino acid substitution p.Cys75Tyr. This variant has been reported in the homozygous and compound heterozygous states in individuals with hypertrophic cardiomyopathy and segregates with disease in several families (Table S3, Salazar-Mendiguchía et al. 2020. PubMed ID: 32451364; Andreeva et al. 2022. PubMed ID: 35273634; Table S13, Allouba et al. 2023. PubMed ID: 37431535; Jaouadi et al. 2024. PubMed ID: 39554508; Ruhrman-Shahar et al. 2025. PubMed ID: 39866098; Bonanni et al. 2025. PubMed ID: 41202888). A functional study demonstrated that this variant impairs ubiquitylation activity (Chunthorng-Orn et al. 2025. PubMed ID: 40332812). This variant is reported in 0.037% of alleles in individuals of Latino descent in gnomAD and has conflicting interpretations from likely pathogenic to likely benign in the ClinVar database (Variation ID: 222847). This variant is interpreted as likely pathogenic.

Molecular Diagnostic Laboratory for Inherited Cardiovascular Disease, Montreal Heart Institute
Classification: Likely pathogenic for Cardiovascular phenotype. Last evaluated: 2024-08-21. Review status: criteria provided, single submitter. Criteria: ACMG Guidelines, 2015. Collection method: clinical testing. Allele origin: germline. Affected: yes.
Comment: PM2;PM3;PS4_supp;PP3

Genomics, Clalit Research Institute, Clalit Health Care
Classification: Likely pathogenic for Hypertrophic cardiomyopathy. Last evaluated: 2024-03-21. Review status: criteria provided, single submitter. Criteria: ACMG Guidelines, 2015. Collection method: case-control. Allele origin: germline. Inheritance: Autosomal recessive inheritance. Affected: yes. Observed: 1 homozygote.
Comment: Frequency: The variant is rare, observed in 28 alleles out of 281,352 (0.01%) in the gnomAD reference population dataset (PM2 support). Prediction tools: Multiple lines of computational tools predict a deleterious effect on the gene or gene product (PP3 strong) Allelic data: This variant was previously reported in trans with pathogenic variant, in patient with Hypertrophic Cardiomyopathy (PMID: 35273634 ) (PS4_modarate). Clinical evidence: This variant has previously been described in ClinVar (VCV222847) with the following classifications: LB (1) / VUS (1). Gene coverage: 100% of TRIM63 is covered with at least 10x.

Blueprint Genetics
Classification: Uncertain significance. Last evaluated: 2024-02-21. Review status: criteria provided, single submitter. Criteria: ACMG Guidelines, 2015. Collection method: clinical testing. Allele origin: germline.

Women's Health and Genetics/Laboratory Corporation of America, LabCorp
Classification: Uncertain significance. Last evaluated: 2023-10-12. Review status: criteria provided, single submitter. Criteria: LabCorp Variant Classification Summary - May 2015. Collection method: clinical testing. Allele origin: germline.
Comment: Variant summary: TRIM63 c.224G>A (p.Cys75Tyr) results in a non-conservative amino acid change located in the Zinc finger, RING-type (IPR001841) of the encoded protein sequence. Five of five in-silico tools predict a damaging effect of the variant on protein function. The variant allele was found at a frequency of 0.0001 in 249958 control chromosomes (gnomAD). This frequency is not significantly higher than estimated for a pathogenic variant in TRIM63 causing Hypertrophic Cardiomyopathy (0.0001 vs 0.005), allowing no conclusion about variant significance. c.224G>A has been reported in the literature in bi-allelic individuals affected with Hypertrophic Cardiomyopathy (examples: Andreeva_2022, and Salazar-Mendigucha_2020). One report classified this variant as VUS (Andreeva_2022) and one reported calculated odds (LOD) score reflecting linkage between TRIM63 mutations and HCM in individual families as less than 1 (Salazar-Mendigucha_2020). To our knowledge, no experimental evidence demonstrating an impact on protein function has been reported. Two submitters have cited clinical-significance assessments for this variant to ClinVar after 2014. The following publications have been ascertained in the context of this evaluation (PMID: 35273634, 32451364). One submitter classified the variant as likely benign, and one submitter classified the variant as uncertain significance. Based on the evidence outlined above, the variant was classified as uncertain significance.

Institute Of Molecular Biology And Genetics, Federal Almazov National Medical Research Centre
Classification: Likely benign for Hypertrophic cardiomyopathy. Last evaluated: 2021-07-07. Review status: criteria provided, single submitter. Criteria: ACMG Guidelines, 2015. Collection method: clinical testing. Allele origin: germline. Affected: yes. Observed: 1 variant allele.
Comment: ACMG: PP3, BS1, BP1

OMIM
Classification: Pathogenic for CARDIOMYOPATHY, FAMILIAL HYPERTROPHIC, 31. Last evaluated: 2025-07-18. Review status: no assertion criteria provided. Collection method: literature only. Allele origin: germline. Not counted in ClinVar's aggregate classification.

Zaffran Lab, Genetics of Cardiac Diseases Laboratory, Marseille Medical Genetics
Classification: Likely pathogenic for hypertrophic cardiomyopathy. Review status: no assertion criteria provided. Collection method: research. Allele origin: unknown. Affected: yes. Not counted in ClinVar's aggregate classification.

Literature cited by the submitters: PubMed 32451364 (cited by Women's Health and Genetics/Laboratory Corporation of America, LabCorp and OMIM); PubMed 35273634 (cited by Women's Health and Genetics/Laboratory Corporation of America, LabCorp).

NM_032588.4(TRIM63):c.224G>A (p.Cys75Tyr)

Gene: TRIM63 (tripartite motif containing 63; minus strand). Cytogenetic location: 1p36.11.
Variant type: single nucleotide variant.
Coding change: c.224G>A on transcript NM_032588.4 (MANE Select); coding-DNA position 224, G replaced by A.
Protein change: p.Cys75Tyr; replaces cysteine 75 with tyrosine.
Molecular consequence: missense variant.
Genome position (GRCh38, 1-based): chr1:26,066,376, C>T on the plus strand (G>A on the coding strand, the complement: TRIM63 is on the minus strand). VCF-style: chr1-26066376-C-T. GRCh37 (hg19) VCF-style: chr1-26392867-C-T.
Other names: short protein forms C75Y.
Identifiers: ClinVar variation 222847 (VCV000222847.9), dbSNP rs200811483, ClinGen allele CA080113.